The following is an entry in ClinVar:

NM_182931.3(KMT2E):c.5118A>C (p.Gln1706His)

Gene: KMT2E (lysine methyltransferase 2E (inactive); plus strand). Cytogenetic location: 7q22.3.
Variant type: single nucleotide variant.
Coding change: c.5118A>C on transcript NM_182931.3 (MANE Select); coding-DNA position 5118, A replaced by C.
Protein change: p.Gln1706His; replaces glutamine 1706 with histidine.
Molecular consequence: missense variant.
Genome position (GRCh38, 1-based): chr7:105,112,874, A>C. VCF-style: chr7-105112874-A-C. GRCh37 (hg19) VCF-style: chr7-104753321-A-C.
Other names: c.4992A>C, p.Gln1664His (NM_001410908.1); c.5118A>C, p.Gln1706His (NM_018682.4); short protein forms Q1706H, Q1664H.
Identifiers: ClinVar variation 2896203 (VCV002896203.3), dbSNP rs747926615, ClinGen allele CA4424915.

ClinVar aggregate classification (germline): Uncertain significance (1 of 4 stars; one submission).

Allele frequency attached by ClinVar (database versions not stated): gnomAD exomes 0.00002; gnomAD 0.00003; ExAC 0.00004.
gnomAD v4.1: 35 of 1,609,164 alleles (0.0022%); highest among the groups gnomAD compares: South Asian, 0.024%; 1 homozygote.

Submission:

Labcorp Genetics (formerly Invitae), Labcorp
Classification: Uncertain significance. Last evaluated: 2023-08-16. Review status: criteria provided, single submitter. Criteria: Invitae Variant Classification Sherloc (09022015). Collection method: clinical testing. Allele origin: germline.
Comment: In summary, the available evidence is currently insufficient to determine the role of this variant in disease. Therefore, it has been classified as a Variant of Uncertain Significance. An algorithm developed to predict the effect of missense changes on protein structure and function (PolyPhen-2) suggests that this variant is likely to be tolerated. This variant has not been reported in the literature in individuals affected with KMT2E-related conditions. This variant is present in population databases (rs747926615, gnomAD 0.03%), including at least one homozygous and/or hemizygous individual. This sequence change replaces glutamine, which is neutral and polar, with histidine, which is basic and polar, at codon 1706 of the KMT2E protein (p.Gln1706His).